The following is an entry in ClinVar:

NM_000016.6(ACADM):c.977T>C (p.Met326Thr)

Gene: ACADM (acyl-CoA dehydrogenase medium chain; plus strand). Cytogenetic location: 1p31.1.
Variant type: single nucleotide variant.
Coding change: c.977T>C on transcript NM_000016.6 (MANE Select); coding-DNA position 977, T replaced by C.
Protein change: p.Met326Thr; replaces methionine 326 with threonine.
Molecular consequence: missense variant.
Genome position (GRCh38, 1-based): chr1:75,761,153, T>C. VCF-style: chr1-75761153-T-C. GRCh37 (hg19) VCF-style: chr1-76226838-T-C.
Other names: c.989T>C, p.Met330Thr (NM_001127328.3); c.869T>C, p.Met290Thr (NM_001286042.2); c.1076T>C, p.Met359Thr (NM_001286043.2); c.410T>C, p.Met137Thr (NM_001286044.2); short protein forms M326T, M330T, M137T, M290T, M359T.
Identifiers: ClinVar variation 189019 (VCV000189019.12), dbSNP rs786204631, ClinGen allele CA274268.

ClinVar aggregate classification (germline): Pathogenic. Review status: criteria provided, multiple submitters, no conflicts (2 of 4 stars). 4 submissions from 4 submitters: Pathogenic (3). 1 of the submissions does not count toward it. Last evaluated 2025-02-17.

Conditions:
Medium-chain acyl-coenzyme A dehydrogenase deficiency (ACADMD). Also called: MCADD; ACADM DEFICIENCY; CARNITINE DEFICIENCY SECONDARY TO MEDIUM-CHAIN ACYL-CoA DEHYDROGENASE DEFICIENCY; MCADH DEFICIENCY; MCAD Deficiency; Medium chain acyl-CoA dehydrogenase deficiency. Identifiers: Orphanet 42, MedGen C0220710, MONDO:0008721, OMIM 201450.

Allele frequency attached by ClinVar (database versions not stated): gnomAD exomes below 0.00001.
gnomAD v4.1: 3 of 1,614,094 alleles (0.00019%); highest among the groups gnomAD compares: African/African-American, 0.0013%; no homozygotes.

Submissions (4):

North West Genomic Laboratory Hub, Manchester University NHS Foundation Trust
Classification: Pathogenic for Medium-chain acyl-coenzyme A dehydrogenase deficiency. Last evaluated: 2025-02-17. Review status: criteria provided, single submitter. Criteria: ACGS Best Practice Guidelines for Variant Classification in Rare Disease 2024. Collection method: clinical testing. Allele origin: germline. Affected: yes.
Comment: PM2_Mod PS3_Supp PP4_Str PP3_Supp PM3_Str

Labcorp Genetics (formerly Invitae), Labcorp
Classification: Pathogenic for Medium-chain acyl-coenzyme A dehydrogenase deficiency. Last evaluated: 2024-03-11. Review status: criteria provided, single submitter. Criteria: Invitae Variant Classification Sherloc (09022015). Collection method: clinical testing. Allele origin: germline.
Comment: This sequence change replaces methionine, which is neutral and non-polar, with threonine, which is neutral and polar, at codon 326 of the ACADM protein (p.Met326Thr). This variant is not present in population databases (gnomAD no frequency). This missense change has been observed in individual(s) with medium-chain acyl CoA dehydrogenase deficiency (PMID: 8198141, 23028790). In at least one individual the data is consistent with being in trans (on the opposite chromosome) from a pathogenic variant. This variant is also known as M301T. ClinVar contains an entry for this variant (Variation ID: 189019). Advanced modeling of protein sequence and biophysical properties (such as structural, functional, and spatial information, amino acid conservation, physicochemical variation, residue mobility, and thermodynamic stability) performed at Invitae indicates that this missense variant is expected to disrupt ACADM protein function with a positive predictive value of 80%. Experimental studies have shown that this missense change affects ACADM function (PMID: 8198141, 8535441). This variant disrupts the p.Met326 amino acid residue in ACADM. Other variant(s) that disrupt this residue have been observed in individuals with ACADM-related conditions (PMID: 32793418), which suggests that this may be a clinically significant amino acid residue. For these reasons, this variant has been classified as Pathogenic.

Centre of Medical Genetics, University Hospital Muenster
Classification: Pathogenic. Last evaluated: 2022-08-15. Review status: criteria provided, single submitter. Criteria: ACMG Guidelines, 2015. Collection method: clinical testing. Allele origin: unknown. Affected: yes. Observed: 1 variant allele.
Comment: ACMG categories: PS3,PM1,PM2,PM3,PP3,PP5

Counsyl
Classification: Likely pathogenic for Medium-chain acyl-coenzyme A dehydrogenase deficiency. Last evaluated: 2014-10-16. Review status: no assertion criteria provided. Collection method: literature only. Allele origin: unknown. Inheritance: Autosomal recessive inheritance. Not counted in ClinVar's aggregate classification.

Literature cited by the submitters: PubMed 8198141 (cited by Labcorp Genetics (formerly Invitae), Labcorp and Counsyl); PubMed 23028790 (cited by Labcorp Genetics (formerly Invitae), Labcorp and Counsyl); PubMed 8535441 (cited by Labcorp Genetics (formerly Invitae), Labcorp and Counsyl); PubMed 32793418 (cited by Labcorp Genetics (formerly Invitae), Labcorp); PubMed 9158144 (cited by Counsyl); PubMed 18767270 (cited by Counsyl).